The following is an entry in ClinVar:

ClinVar aggregate classification (germline): Uncertain significance (1 of 4 stars; one submission).

Submission:

Labcorp Genetics (formerly Invitae), Labcorp
Classification: Uncertain significance. Last evaluated: 2023-12-16. Review status: criteria provided, single submitter. Criteria: Invitae Variant Classification Sherloc (09022015). Collection method: clinical testing. Allele origin: germline.
Comment: This sequence change replaces leucine, which is neutral and non-polar, with tryptophan, which is neutral and slightly polar, at codon 248 of the EMC1 protein (p.Leu248Trp). This variant is not present in population databases (gnomAD no frequency). This variant has not been reported in the literature in individuals affected with EMC1-related conditions. Advanced modeling of protein sequence and biophysical properties (such as structural, functional, and spatial information, amino acid conservation, physicochemical variation, residue mobility, and thermodynamic stability) performed at Invitae indicates that this missense variant is expected to disrupt EMC1 protein function with a positive predictive value of 80%. In summary, the available evidence is currently insufficient to determine the role of this variant in disease. Therefore, it has been classified as a Variant of Uncertain Significance.

NM_015047.3(EMC1):c.743T>G (p.Leu248Trp)

Genes: EMC1 (ER membrane protein complex subunit 1; minus strand), EMC1-AS1 (EMC1 antisense RNA 1; plus strand). Cytogenetic location: 1p36.13.
Variant type: single nucleotide variant.
Coding change: c.743T>G on transcript NM_015047.3 (MANE Select); coding-DNA position 743, T replaced by G.
Protein change: p.Leu248Trp; replaces leucine 248 with tryptophan.
Molecular consequence: missense variant. On other transcripts: non-coding transcript variant (1).
Genome position (GRCh38, 1-based): chr1:19,240,340, A>C on the plus strand (T>G on the coding strand, the complement: EMC1 is on the minus strand). VCF-style: chr1-19240340-A-C. GRCh37 (hg19) VCF-style: chr1-19566834-A-C.
Other names: c.743T>G, p.Leu248Trp (NM_001271427.2, NM_001271428.2, NM_001375820.1 and 1 more transcripts); c.677T>G, p.Leu226Trp (NM_001271429.2); short protein forms L226W, L248W.
Identifiers: ClinVar variation 2772182 (VCV002772182.3), dbSNP rs1367795435, ClinGen allele CA338768898.